The following is an entry in ClinVar:

ClinVar aggregate classification (germline): Likely benign (1 of 4 stars; one submission).

Allele frequency attached by ClinVar (database versions not stated): gnomAD exomes 0.00011; ExAC 0.00012; ESP Exome Variant Server 0.00024; 1000 Genomes Project 0.00040; gnomAD 0.00043; 1000 Genomes Project 30x 0.00062.
gnomAD v4.1: 234 of 1,612,982 alleles (0.015%); highest among the groups gnomAD compares: African/African-American, 0.13%; 1 homozygote.

Submission:

CeGaT Center for Human Genetics Tuebingen
Classification: Likely benign. Last evaluated: 2022-11-01. Review status: criteria provided, single submitter. Criteria: CeGaT Center For Human Genetics Tuebingen Variant Classification Criteria Version 2. Collection method: clinical testing. Allele origin: germline. Affected: yes. Observed: 1 variant allele.
Comment: SVEP1: BP4

NM_153366.4(SVEP1):c.4904G>A (p.Gly1635Glu)

Gene: SVEP1 (sushi, von Willebrand factor type A, EGF and pentraxin domain containing 1; minus strand). Cytogenetic location: 9q31.3.
Variant type: single nucleotide variant.
Coding change: c.4904G>A on transcript NM_153366.4 (MANE Select); coding-DNA position 4904, G replaced by A.
Protein change: p.Gly1635Glu; replaces glycine 1635 with glutamic acid.
Molecular consequence: missense variant.
Genome position (GRCh38, 1-based): chr9:110,434,491, C>T on the plus strand (G>A on the coding strand, the complement: SVEP1 is on the minus strand). VCF-style: chr9-110434491-C-T. GRCh37 (hg19) VCF-style: chr9-113196771-C-T.
Other names: short protein forms G1635E.
Identifiers: ClinVar variation 2659417 (VCV002659417.24), dbSNP rs376217209, ClinGen allele CA5182612.